The following is an entry in ClinVar:

ClinVar aggregate classification (germline): Uncertain significance. Review status: criteria provided, multiple submitters, no conflicts (2 of 4 stars). 2 submissions from 2 submitters: Uncertain significance (2). Last evaluated 2025-11-18.

Conditions:
Hereditary cancer-predisposing syndrome. Also called: Hereditary Cancer Syndrome; Hereditary neoplastic syndrome; Neoplastic Syndromes, Hereditary; Tumor predisposition. Identifiers: Orphanet 140162, MedGen C0027672, MeSH D009386, MONDO:0015356.
EGFR-related lung cancer (EGFR). Identifiers: MedGen CN130014.

Allele frequency attached by ClinVar (database versions not stated): gnomAD 0.00001; gnomAD exomes 0.00001; 1000 Genomes Project 30x 0.00016; 1000 Genomes Project 0.00020.
gnomAD v4.1: 9 of 1,614,212 alleles (0.00056%); highest among the groups gnomAD compares: Non-Finnish European, 0.00076%; no homozygotes.

Submissions (2):

Labcorp Genetics (formerly Invitae), Labcorp
Classification: Uncertain significance for EGFR-related lung cancer. Last evaluated: 2025-11-18. Review status: criteria provided, single submitter. Criteria: Invitae Variant Classification Sherloc (09022015). Collection method: clinical testing. Allele origin: germline.
Comment: This sequence change replaces glutamic acid, which is acidic and polar, with lysine, which is basic and polar, at codon 804 of the EGFR protein (p.Glu804Lys). This variant is present in population databases (rs552733360, gnomAD 0.002%). This variant has not been reported in the literature in individuals affected with EGFR-related conditions. ClinVar contains an entry for this variant (Variation ID: 1449787). Invitae Evidence Modeling of protein sequence and biophysical properties (such as structural, functional, and spatial information, amino acid conservation, physicochemical variation, residue mobility, and thermodynamic stability) indicates that this missense variant is not expected to disrupt EGFR protein function with a negative predictive value of 80%. In summary, the available evidence is currently insufficient to determine the role of this variant in disease. Therefore, it has been classified as a Variant of Uncertain Significance.

Ambry Genetics
Classification: Uncertain significance for Hereditary cancer-predisposing syndrome. Last evaluated: 2025-01-02. Review status: criteria provided, single submitter. Criteria: Ambry Variant Classification Scheme 2023. Collection method: clinical testing. Allele origin: germline.
Comment: The p.E804K variant (also known as c.2410G>A), located in coding exon 20 of the EGFR gene, results from a G to A substitution at nucleotide position 2410. The glutamic acid at codon 804 is replaced by lysine, an amino acid with similar properties. This amino acid position is well conserved in available vertebrate species. In addition, the in silico prediction for this alteration is inconclusive. Based on the available evidence, the clinical significance of this variant remains unclear.

NM_005228.5(EGFR):c.2410G>A (p.Glu804Lys)

Genes: EGFR-AS1 (EGFR antisense RNA 1; minus strand), EGFR (epidermal growth factor receptor; plus strand). Cytogenetic location: 7p11.2.
Variant type: single nucleotide variant.
Coding change: c.2410G>A on transcript NM_005228.5 (MANE Select); coding-DNA position 2410, G replaced by A.
Protein change: p.Glu804Lys; replaces glutamic acid 804 with lysine.
Molecular consequence: missense variant. On other transcripts: non-coding transcript variant (1).
Genome position (GRCh38, 1-based): chr7:55,181,419, G>A. VCF-style: chr7-55181419-G-A. GRCh37 (hg19) VCF-style: chr7-55249112-G-A.
Other names: c.2275G>A, p.Glu759Lys (NM_001346897.2, NM_001346899.2); c.2410G>A, p.Glu804Lys (NM_001346898.2); c.2251G>A, p.Glu751Lys (NM_001346900.2); c.1609G>A, p.Glu537Lys (NM_001346941.2); c.2410G>A (NM_005228.3); short protein forms E537K, E759K, E751K, E804K.
Identifiers: ClinVar variation 1449787 (VCV001449787.6), dbSNP rs552733360, ClinGen allele CA158928574.
Genomic context (GRCh38, chr7:55,181,419, plus strand): 5'-TCCACCGTGCAGCTCATCACGCAGCTCATGCCCTTCGGCTGCCTCCTGGACTATGTCCGG[G>A]AACACAAAGACAATATTGGCTCCCAGTACCTGCTCAACTGGTGTGTGCAGATCGCAAAGG-3'
Protein context (NP_005219.2, residues 794-814): PFGCLLDYVR[Glu804Lys]HKDNIGSQYL